The following is an entry in ClinVar:

ClinVar aggregate classification (germline): Pathogenic/Likely pathogenic. Review status: criteria provided, multiple submitters, no conflicts (2 of 4 stars). 2 submissions from 2 submitters: Pathogenic (1); Likely pathogenic (1). Last evaluated 2026-08-25.

Conditions:
Neuronal ceroid lipofuscinosis 1 (CLN1). Also called: PPT1-Related Neuronal Ceroid-Lipofuscinosis; CEROID LIPOFUSCINOSIS, NEURONAL, 1, VARIABLE AGE AT ONSET. Identifiers: Orphanet 228329, MedGen C1850451, MONDO:0009744, OMIM 256730.

Submissions (2):

Myriad Genetics, Inc.
Classification: Pathogenic for Neuronal ceroid lipofuscinosis 1. Last evaluated: 2026-08-25. Review status: criteria provided, single submitter. Criteria: Myriad Autosomal Dominant, Autosomal Recessive and X-Linked Classification Criteria (2023). Collection method: clinical testing. Allele origin: unknown.
Comment: NM_000310.3(PPT1):c.442G>T(G148*) is expected to be pathogenic in the context of neuronal ceroid lipofuscinosis, PPT1-related. This variant is predicted to lead to an abnormal or absent protein product due to the creation of a premature termination codon in PPT1, a gene where loss-of-function variants are known to be pathogenic. Please note: this variant was assessed in the context of healthy population screening.

HudsonAlpha Institute for Biotechnology
Classification: Likely pathogenic for Neuronal ceroid lipofuscinosis 1. Last evaluated: 2020-10-30. Review status: criteria provided, single submitter. Criteria: ACMG Guidelines, 2015. Collection method: research. Allele origin: unknown. Affected: yes. Observed: 1 variant allele. Study: HudsonAlpha-AGHI-WGS.
Comment: ACMG codes:PVS1, PM2

NM_000310.4(PPT1):c.442G>T (p.Gly148Ter)

Gene: PPT1 (palmitoyl-protein thioesterase 1; minus strand). Cytogenetic location: 1p34.2.
Variant type: single nucleotide variant.
Coding change: c.442G>T on transcript NM_000310.4 (MANE Select); coding-DNA position 442, G replaced by T.
Protein change: p.Gly148Ter; replaces glycine 148 with a stop codon.
Molecular consequence: nonsense.
Genome position (GRCh38, 1-based): chr1:40,089,504, C>A on the plus strand (G>T on the coding strand, the complement: PPT1 is on the minus strand). VCF-style: chr1-40089504-C-A. GRCh37 (hg19) VCF-style: chr1-40555176-C-A.
Other names: c.133G>T, p.Gly45Ter (NM_001142604.2); c.442G>T, p.Gly148Ter (NM_001363695.2); short protein forms G148*, G45*.
Identifiers: ClinVar variation 1251928 (VCV001251928.2), dbSNP rs2124484378, ClinGen allele CA339848766.
Genomic context (GRCh38, chr1:40,089,504, plus strand): 5'-TCAGTGTTTTTCGGATGAAGTCACAGATGTGAGAGCTCTCTCCTGGGCATCGAGGGAGTC[C>A]AAAAACACCTACAGTGGTAGATGACAAATATCCACTCCTTCAATAATGATGTATCGAATA-3'